The following is an entry in ClinVar:

NM_182972.3(IRF2BP2):c.1138C>T (p.Leu380=)

Gene: IRF2BP2 (interferon regulatory factor 2 binding protein 2; minus strand). Cytogenetic location: 1q42.3.
Variant type: single nucleotide variant.
Coding change: c.1138C>T on transcript NM_182972.3 (MANE Select); coding-DNA position 1138, C replaced by T.
Protein change: p.Leu380=; no amino-acid change (leucine 380 retained).
Molecular consequence: synonymous variant.
Genome position (GRCh38, 1-based): chr1:234,607,763, G>A on the plus strand (C>T on the coding strand, the complement: IRF2BP2 is on the minus strand). VCF-style: chr1-234607763-G-A. GRCh37 (hg19) VCF-style: chr1-234743509-G-A.
Other names: c.1090C>T, p.Leu364= (NM_001077397.1).
Identifiers: ClinVar variation 1138019 (VCV001138019.12), dbSNP rs201012807, ClinGen allele CA1461634.
Genomic context (GRCh38, chr1:234,607,763, plus strand): 5'-GAGACACAAAAGAGGATGTAGGAGTCATGGGGATCTTGAGCCCCTCTGTGGATGTGGACA[G>A]CCACGGCTGGGCCTCTCCGTTGATCTTAGGGGGCCCGACTTCACCTTCTGGTTCTGGAGA-3'
Protein context (NP_892017.2, residues 370-390): PKINGEAQPW[Leu380=]STSTEGLKIP

ClinVar aggregate classification (germline): Likely benign. Review status: criteria provided, multiple submitters, no conflicts (2 of 4 stars). 2 submissions from 2 submitters: Likely benign (2). Last evaluated 2025-12-10.

Allele frequency attached by ClinVar (database versions not stated): TOPMed 0.00007; ESP Exome Variant Server 0.00008; ExAC 0.00009; gnomAD exomes 0.00009; gnomAD 0.00012 and 0.00013; 1000 Genomes Project 30x 0.00016; 1000 Genomes Project 0.00020.

Submissions (2):

Labcorp Genetics (formerly Invitae), Labcorp
Classification: Likely benign. Last evaluated: 2025-12-10. Review status: criteria provided, single submitter. Criteria: Invitae Variant Classification Sherloc (09022015). Collection method: clinical testing. Allele origin: germline.

CeGaT Center for Human Genetics Tuebingen
Classification: Likely benign. Last evaluated: 2025-12-01. Review status: criteria provided, single submitter. Criteria: CeGaT Center For Human Genetics Tuebingen Variant Classification Criteria Version 2. Collection method: clinical testing. Allele origin: germline. Affected: yes. Observed: 1 variant allele.
Comment: IRF2BP2: BP4, BP7